The following is an entry in ClinVar:

ClinVar aggregate classification (germline): Likely pathogenic (1 of 4 stars; one submission).

Conditions:
KDM5B-related disorder. Also called: KDM5B-related condition.

Submission:

PreventionGenetics, part of Exact Sciences
Classification: Likely pathogenic for KDM5B-related condition. Last evaluated: 2022-10-03. Review status: criteria provided, single submitter. Criteria: ACMG Guidelines, 2015. Collection method: clinical testing. Allele origin: germline.
Comment: The KDM5B c.3935C>G variant is predicted to result in premature protein termination (p.Ser1312*). To our knowledge, this variant has not been reported in the literature or in a large population database, indicating this variant is rare. This variant is interpreted as likely pathogenic.

NM_006618.5(KDM5B):c.3935C>G (p.Ser1312Ter)

Gene: KDM5B (lysine demethylase 5B; minus strand). Cytogenetic location: 1q32.1.
Variant type: single nucleotide variant.
Coding change: c.3935C>G on transcript NM_006618.5 (MANE Select); coding-DNA position 3935, C replaced by G.
Protein change: p.Ser1312Ter; replaces serine 1312 with a stop codon.
Molecular consequence: nonsense.
Genome position (GRCh38, 1-based): chr1:202,731,914, G>C on the plus strand (C>G on the coding strand, the complement: KDM5B is on the minus strand). VCF-style: chr1-202731914-G-C. GRCh37 (hg19) VCF-style: chr1-202701042-G-C.
Other names: c.4043C>G, p.Ser1348Ter (NM_001314042.2); c.3800C>G, p.Ser1267Ter (NM_001347591.2); c.3920C>G, p.Ser1307Ter (NM_001399817.1); short protein forms S1267*, S1307*, S1312*, S1348*.
Identifiers: ClinVar variation 2637045 (VCV002637045.1), dbSNP rs148131534, ClinGen allele CA344261529.